The following is an entry in ClinVar:

NM_025074.7(FRAS1):c.8217G>A (p.Ala2739=)

Gene: FRAS1 (Fraser extracellular matrix complex subunit 1; plus strand). Cytogenetic location: 4q21.21.
Variant type: single nucleotide variant.
Coding change: c.8217G>A on transcript NM_025074.7 (MANE Select); coding-DNA position 8217, G replaced by A.
Protein change: p.Ala2739=; no amino-acid change (alanine 2739 retained).
Molecular consequence: synonymous variant.
Genome position (GRCh38, 1-based): chr4:78,479,492, G>A. VCF-style: chr4-78479492-G-A. GRCh37 (hg19) VCF-style: chr4-79400646-G-A.
Other names: c.8217G>A (NM_025074.6).
Identifiers: ClinVar variation 2956060 (VCV002956060.5), dbSNP rs917598012, ClinGen allele CA99953836.
Genomic context (GRCh38, chr4:78,479,492, plus strand): 5'-AAGTAGCCTCTATGCTCTAGAATCAGGCTCTGATTTTAAATCTAGAGGGATGTCTGCCGC[G>A]AGTCGTGTGATATTCGGGCCTGGTGTGACCATGTCCACCTGTGATGTCATGCTTATTGAT-3'
Protein context (NP_079350.5, residues 2729-2749): SDFKSRGMSA[Ala2739=]SRVIFGPGVT

ClinVar aggregate classification (germline): Likely benign. Review status: criteria provided, single submitter (1 of 4 stars). 2 submissions from 2 submitters: Likely benign (1). 1 of the submissions does not count toward it. Last evaluated 2023-04-28.

Conditions:
FRAS1-related disorder. Also called: FRAS1-related condition.

Allele frequency attached by ClinVar (database versions not stated): gnomAD 0.00001; gnomAD exomes 0.00002.
gnomAD v4.1: 34 of 1,612,412 alleles (0.0021%); highest among the groups gnomAD compares: Non-Finnish European, 0.0025%; no homozygotes.

Submissions (2):

Labcorp Genetics (formerly Invitae), Labcorp
Classification: Likely benign. Last evaluated: 2023-04-28. Review status: criteria provided, single submitter. Criteria: Invitae Variant Classification Sherloc (09022015). Collection method: clinical testing. Allele origin: germline.

PreventionGenetics, part of Exact Sciences
Classification: Likely benign for FRAS1-related condition. Last evaluated: 2023-10-31. Review status: no assertion criteria provided. Collection method: clinical testing. Allele origin: germline. Not counted in ClinVar's aggregate classification.
Comment: This variant is classified as likely benign based on ACMG/AMP sequence variant interpretation guidelines (Richards et al. 2015 PMID: 25741868, with internal and published modifications).